The following is an entry in ClinVar:

NM_020937.4(FANCM):c.4005A>T (p.Lys1335Asn)

Gene: FANCM (FA complementation group M; plus strand). Cytogenetic location: 14q21.2.
Variant type: single nucleotide variant.
Coding change: c.4005A>T on transcript NM_020937.4 (MANE Select); coding-DNA position 4005, A replaced by T.
Protein change: p.Lys1335Asn; replaces lysine 1335 with asparagine.
Molecular consequence: missense variant.
Genome position (GRCh38, 1-based): chr14:45,176,759, A>T. VCF-style: chr14-45176759-A-T. GRCh37 (hg19) VCF-style: chr14-45645962-A-T.
Other names: c.3927A>T, p.Lys1309Asn (NM_001308133.2); short protein forms K1309N, K1335N.
Identifiers: ClinVar variation 3848733 (VCV003848733.1).
Genomic context (GRCh38, chr14:45,176,759, plus strand): 5'-AAAAAATGAAGAATTGTTATCTCCTGGTTATTCTCAGTTTTCTTTACCAGTGCAAAAAAA[A>T]GTTATGAGTACACCACTCTCTAAATCAAACACATTGAACTCATTTTCTAAGATAAGAAAG-3'
Protein context (NP_065988.1, residues 1325-1345): YSQFSLPVQK[Lys1335Asn]VMSTPLSKSN

ClinVar aggregate classification (germline): Uncertain significance (1 of 4 stars; one submission).

Conditions:
Inborn genetic diseases. Identifiers: MedGen C0950123, MeSH D030342.

Submission:

Ambry Genetics
Classification: Uncertain significance for Inborn genetic diseases. Last evaluated: 2025-02-15. Review status: criteria provided, single submitter. Criteria: Ambry Variant Classification Scheme 2023. Collection method: clinical testing. Allele origin: germline.
Comment: The p.K1335N variant (also known as c.4005A>T), located in coding exon 14 of the FANCM gene, results from an A to T substitution at nucleotide position 4005. The lysine at codon 1335 is replaced by asparagine, an amino acid with similar properties. This amino acid position is conserved. In addition, this alteration is predicted to be tolerated by in silico analysis. Based on the available evidence, the clinical significance of this variant remains unclear.